The following is an entry in ClinVar:

ClinVar aggregate classification (germline): Uncertain significance (1 of 4 stars; one submission).

Submission:

Labcorp Genetics (formerly Invitae), Labcorp
Classification: Uncertain significance. Last evaluated: 2020-10-07. Review status: criteria provided, single submitter. Criteria: Invitae Variant Classification Sherloc (09022015). Collection method: clinical testing. Allele origin: germline.
Comment: This sequence change falls in intron 21 of the CLCN7 gene. It does not directly change the encoded amino acid sequence of the CLCN7 protein, but it affects a nucleotide within the consensus splice site of the intron. The frequency data for this variant in the population databases is considered unreliable, as metrics indicate insufficient coverage at this position in the ExAC database. This variant has not been reported in the literature in individuals with CLCN7-related conditions. Nucleotide substitutions within the consensus splice site are a relatively common cause of aberrant splicing (PMID: 17576681, 9536098). Algorithms developed to predict the effect of sequence changes on RNA splicing suggest that this variant may disrupt the consensus splice site, but this prediction has not been confirmed by published transcriptional studies. In summary, the available evidence is currently insufficient to determine the role of this variant in disease. Therefore, it has been classified as a Variant of Uncertain Significance.

Literature cited by the submitters: PubMed 17576681; PubMed 9536098.

NM_001287.6(CLCN7):c.2014-3C>G

Gene: CLCN7 (chloride voltage-gated channel 7; minus strand). Cytogenetic location: 16p13.3.
Variant type: single nucleotide variant.
Coding change: c.2014-3C>G on transcript NM_001287.6 (MANE Select); 3 bases into the intron before coding-DNA position 2014, C replaced by G.
Molecular consequence: intron variant.
Genome position (GRCh38, 1-based): chr16:1,447,717, G>C on the plus strand (C>G on the coding strand, the complement: CLCN7 is on the minus strand). VCF-style: chr16-1447717-G-C. GRCh37 (hg19) VCF-style: chr16-1497718-G-C.
Other names: c.1942-3C>G (NM_001114331.3).
Identifiers: ClinVar variation 1036024 (VCV001036024.6), dbSNP rs2038675589, ClinGen allele CA2201647013.